The following is an entry in ClinVar:

NM_201384.3(PLEC):c.11964G>A (p.Glu3988=)

Gene: PLEC (plectin; minus strand). Cytogenetic location: 8q24.3.
Variant type: single nucleotide variant.
Coding change: c.11964G>A on transcript NM_201384.3 (MANE Select); coding-DNA position 11964, G replaced by A.
Protein change: p.Glu3988=; no amino-acid change (glutamic acid 3988 retained).
Molecular consequence: synonymous variant.
Genome position (GRCh38, 1-based): chr8:143,917,857, C>T on the plus strand (G>A on the coding strand, the complement: PLEC is on the minus strand). VCF-style: chr8-143917857-C-T. GRCh37 (hg19) VCF-style: chr8-144992025-C-T.
Other names: c.12045G>A, p.Glu4015= (NM_000445.5); c.8664G>A, p.Glu2888= (NM_001410941.1); c.11922G>A, p.Glu3974= (NM_201378.4); c.11898G>A, p.Glu3966= (NM_201379.3); c.12375G>A, p.Glu4125= (NM_201380.4); c.11868G>A, p.Glu3956= (NM_201381.3); c.11964G>A, p.Glu3988= (NM_201382.4); c.11976G>A, p.Glu3992= (NM_201383.3).
Identifiers: ClinVar variation 3047857 (VCV003047857.2), dbSNP rs2539261749, ClinGen allele CA463527741.

ClinVar aggregate classification (germline): Likely benign (0 of 4 stars; one submission).

Conditions:
PLEC-related disorder. Also called: PLEC-related disorders; PLEC-related condition.

Allele frequency attached by ClinVar (database versions not stated): gnomAD exomes below 0.00001.

Submission:

PreventionGenetics, part of Exact Sciences
Classification: Likely benign for PLEC-related condition. Last evaluated: 2022-09-19. Review status: no assertion criteria provided. Collection method: clinical testing. Allele origin: germline.
Comment: This variant is classified as likely benign based on ACMG/AMP sequence variant interpretation guidelines (Richards et al. 2015 PMID: 25741868, with internal and published modifications).